The following is an entry in ClinVar:

NM_001370259.2(MEN1):c.1336C>A (p.Arg446Ser)

Gene: MEN1 (menin 1; minus strand). Cytogenetic location: 11q13.1.
Variant type: single nucleotide variant.
Coding change: c.1336C>A on transcript NM_001370259.2 (MANE Select); coding-DNA position 1336, C replaced by A.
Protein change: p.Arg446Ser; replaces arginine 446 with serine.
Molecular consequence: missense variant.
Genome position (GRCh38, 1-based): chr11:64,805,048, G>T on the plus strand (C>A on the coding strand, the complement: MEN1 is on the minus strand). VCF-style: chr11-64805048-G-T. GRCh37 (hg19) VCF-style: chr11-64572520-G-T.
Other names: c.1462C>A, p.Arg488Ser (NM_001370251.2); c.1336C>A, p.Arg446Ser (NM_001370260.2, NM_001370261.2, NM_130799.3); c.1231C>A, p.Arg411Ser (NM_001370262.2, NM_001370263.2); c.1351C>A, p.Arg451Ser (NM_130800.3, NM_130801.3, NM_130802.3 and 3 more transcripts); short protein forms R411S, R451S, R446S, R488S.
Identifiers: ClinVar variation 1352861 (VCV001352861.6), dbSNP rs1592636375, ClinGen allele CA381180101.

ClinVar aggregate classification (germline): Uncertain significance (1 of 4 stars; one submission).

Conditions:
Multiple endocrine neoplasia, type 1 (MEN1). Also called: MEA I; MEN I; WERMER SYNDROME; Endocrine adenomatosis multiple; MEN 1. Identifiers: Orphanet 652, MedGen C0025267, MeSH D018761, MONDO:0007540, OMIM 131100.

Submission:

Labcorp Genetics (formerly Invitae), Labcorp
Classification: Uncertain significance for Multiple endocrine neoplasia, type 1. Last evaluated: 2021-11-22. Review status: criteria provided, single submitter. Criteria: Invitae Variant Classification Sherloc (09022015). Collection method: clinical testing. Allele origin: germline.
Comment: Advanced modeling of protein sequence and biophysical properties (such as structural, functional, and spatial information, amino acid conservation, physicochemical variation, residue mobility, and thermodynamic stability) performed at Invitae indicates that this missense variant is expected to disrupt MEN1 protein function. This variant has not been reported in the literature in individuals affected with MEN1-related conditions. This variant is not present in population databases (gnomAD no frequency). This sequence change replaces arginine, which is basic and polar, with serine, which is neutral and polar, at codon 446 of the MEN1 protein (p.Arg446Ser). In summary, the available evidence is currently insufficient to determine the role of this variant in disease. Therefore, it has been classified as a Variant of Uncertain Significance.